The following is an entry in ClinVar:

NM_001164508.2(NEB):c.21332C>G (p.Ala7111Gly)

Genes: NEB (nebulin; minus strand), RIF1 (replication timing regulatory factor 1; plus strand). Cytogenetic location: 2q23.3.
Variant type: single nucleotide variant.
Coding change: c.21332C>G on transcript NM_001164508.2 (MANE Select); coding-DNA position 21332, C replaced by G.
Protein change: p.Ala7111Gly; replaces alanine 7111 with glycine.
Molecular consequence: missense variant. On other transcripts: intron variant (2).
Genome position (GRCh38, 1-based): chr2:151,533,527, G>C on the plus strand (C>G on the coding strand, the complement: NEB is on the minus strand). VCF-style: chr2-151533527-G-C. GRCh37 (hg19) VCF-style: chr2-152390041-G-C.
Other names: c.21437C>G, p.Ala7146Gly (NM_001271208.2); c.16314+688C>G (NM_004543.5); c.21417+688C>G (NM_001164507.2); short protein forms A7111G, A7146G.
Identifiers: ClinVar variation 978520 (VCV000978520.14), dbSNP rs1279646895, ClinGen allele CA348771829.
Genomic context (GRCh38, chr2:151,533,527, plus strand): 5'-AGAGCAGTCAACATATCTGGACGCAGAATTTCATTACATCCATGTTGCAGAAACATCTTG[G>C]CACTAGATTTATATTTTCTCTGTCCATGCAAAGAGCAGTGAAGCACAAAAGAGACTTATG-3'
Protein context (NP_001157980.2, residues 7101-7121): LMNERKYKSS[Ala7111Gly]KMFLQHGCNE

ClinVar aggregate classification (germline): Conflicting classifications of pathogenicity. Review status: criteria provided, conflicting classifications (1 of 4 stars). 4 submissions from 4 submitters: Uncertain significance (2); Likely benign (1). 1 of the submissions does not count toward it. Last evaluated 2024-03-16.

Conditions:
Nemaline myopathy 2 (NEM2). Also called: Nemaline myopathy 2, autosomal recessive. Identifiers: MedGen C1850569, MONDO:0009725, OMIM 256030.

Allele frequency attached by ClinVar (database versions not stated): gnomAD below 0.00001 and 0.00002; TOPMed below 0.00001; gnomAD exomes 0.00002.
gnomAD v4.1: 35 of 1,550,418 alleles (0.0023%); highest among the groups gnomAD compares: South Asian, 0.037%; 1 homozygote.

Submissions (4):

Labcorp Genetics (formerly Invitae), Labcorp
Classification: Likely benign for Nemaline myopathy 2. Last evaluated: 2024-03-16. Review status: criteria provided, single submitter. Criteria: Invitae Variant Classification Sherloc (09022015). Collection method: clinical testing. Allele origin: germline.

GeneDx
Classification: Uncertain significance. Last evaluated: 2022-06-30. Review status: criteria provided, single submitter. Criteria: GeneDx Variant Classification Process June 2021. Collection method: clinical testing. Allele origin: germline. Affected: yes.
Comment: Not observed at significant frequency in large population cohorts (gnomAD); In silico analysis supports that this missense variant does not alter protein structure/function; Has not been previously published as pathogenic or benign to our knowledge

Revvity Omics, Revvity
Classification: Uncertain significance. Last evaluated: 2021-09-17. Review status: criteria provided, single submitter. Criteria: ACMG Guidelines, 2015. Collection method: clinical testing. Allele origin: germline.

Natera, Inc.
Classification: Uncertain significance for Nemaline myopathy type 2. Last evaluated: 2020-02-04. Review status: no assertion criteria provided. Collection method: clinical testing. Allele origin: germline. Not counted in ClinVar's aggregate classification.